The following is an entry in ClinVar:

ClinVar aggregate classification (germline): Conflicting classifications of pathogenicity. Review status: criteria provided, conflicting classifications (1 of 4 stars). 4 submissions from 4 submitters: Uncertain significance (3); Likely benign (1). Last evaluated 2025-07-30.

Conditions:
Renal cell carcinoma. Identifiers: Orphanet 217071, MedGen C0007134, MeSH D002292, MONDO:0005086, HP:0005584.
Hereditary cancer-predisposing syndrome. Also called: Hereditary neoplastic syndrome; Tumor predisposition; Hereditary Cancer Syndrome; Neoplastic Syndromes, Hereditary. Identifiers: Orphanet 140162, MedGen C0027672, MeSH D009386, MONDO:0015356.
Papillary renal cell carcinoma type 1 (RCCP1). Also called: Renal adenocarcinoma; Renal cell carcinoma 1; Renal cell carcinoma, somatic; RENAL CELL CARCINOMA, PAPILLARY, 1, SOMATIC. Identifiers: Orphanet 47044, MedGen C1336839, OMIM 605074, HP:0011797.

Allele frequency attached by ClinVar (database versions not stated): ExAC 0.00001; gnomAD 0.00001; gnomAD exomes 0.00001 and 0.00002; TOPMed 0.00002.
gnomAD v4.1: 13 of 1,613,968 alleles (0.00081%); highest among the groups gnomAD compares: Non-Finnish European, 0.0011%; no homozygotes.

Submissions (4):

Labcorp Genetics (formerly Invitae), Labcorp
Classification: Uncertain significance for Renal cell carcinoma. Last evaluated: 2025-07-30. Review status: criteria provided, single submitter. Criteria: Invitae Variant Classification Sherloc (09022015). Collection method: clinical testing. Allele origin: germline.
Comment: This sequence change replaces histidine, which is basic and polar, with asparagine, which is neutral and polar, at codon 1366 of the MET protein (p.His1366Asn). This variant is present in population databases (rs773772398, gnomAD 0.003%). This variant has not been reported in the literature in individuals affected with MET-related conditions. ClinVar contains an entry for this variant (Variation ID: 219692). Invitae Evidence Modeling of protein sequence and biophysical properties (such as structural, functional, and spatial information, amino acid conservation, physicochemical variation, residue mobility, and thermodynamic stability) indicates that this missense variant is expected to disrupt MET protein function with a positive predictive value of 80%. In summary, the available evidence is currently insufficient to determine the role of this variant in disease. Therefore, it has been classified as a Variant of Uncertain Significance.

Ambry Genetics
Classification: Likely benign for Hereditary cancer-predisposing syndrome. Last evaluated: 2025-07-17. Review status: criteria provided, single submitter. Criteria: Ambry Variant Classification Scheme 2023. Collection method: clinical testing. Allele origin: germline.

St. Jude Molecular Pathology, St. Jude Children's Research Hospital
Classification: Uncertain significance for Papillary renal cell carcinoma type 1. Last evaluated: 2025-02-05. Review status: criteria provided, single submitter. Criteria: St. Jude Assertion Criteria 2020. Collection method: clinical testing. Allele origin: germline.
Comment: The MET c.4096C>A (p.His1366Asn) missense change has a maximum subpopulation frequency of 0.003% in gnomAD v2.1.1. The in silico tool REVEL is inconclusive about a pathogenic or benign effect of this variant on protein function, and to our knowledge functional studies have not been performed. To our knowledge, this variant has not been reported in individuals with hereditary papillary renal cell carcinoma. In summary, the evidence currently available is insufficient to determine the clinical significance of this variant. It has therefore been classified as of uncertain significance.

GeneDx
Classification: Uncertain significance. Last evaluated: 2022-11-14. Review status: criteria provided, single submitter. Criteria: GeneDx Variant Classification Process June 2021. Collection method: clinical testing. Allele origin: germline. Affected: yes.
Comment: Not observed at significant frequency in large population cohorts (gnomAD); In silico analysis supports that this missense variant has a deleterious effect on protein structure/function; Has not been previously published as pathogenic or benign to our knowledge

NM_000245.4(MET):c.4042C>A (p.His1348Asn)

Gene: MET (MET proto-oncogene, receptor tyrosine kinase; plus strand). Cytogenetic location: 7q31.2.
Variant type: single nucleotide variant.
Coding change: c.4042C>A on transcript NM_000245.4 (MANE Select); coding-DNA position 4042, C replaced by A.
Protein change: p.His1348Asn; replaces histidine 1348 with asparagine.
Molecular consequence: missense variant.
Genome position (GRCh38, 1-based): chr7:116,795,993, C>A. VCF-style: chr7-116795993-C-A. GRCh37 (hg19) VCF-style: chr7-116436047-C-A.
Other names: c.4096C>A (LRG_662t1); c.4096C>A, p.His1366Asn (NM_001127500.3); c.2752C>A, p.His918Asn (NM_001324402.2); short protein forms H1366N, H1348N, H918N.
Identifiers: ClinVar variation 219692 (VCV000219692.15), dbSNP rs773772398, ClinGen allele CA349098.